The following is an entry in ClinVar:

NM_000093.5(COL5A1):c.5339C>A (p.Pro1780His)

Genes: COL5A1 (collagen type V alpha 1 chain; plus strand), LOC101448202 (uncharacterized LOC101448202; minus strand). Cytogenetic location: 9q34.3.
Variant type: single nucleotide variant.
Coding change: c.5339C>A on transcript NM_000093.5 (MANE Select); coding-DNA position 5339, C replaced by A.
Protein change: p.Pro1780His; replaces proline 1780 with histidine.
Molecular consequence: missense variant.
Genome position (GRCh38, 1-based): chr9:134,835,173, C>A. VCF-style: chr9-134835173-C-A. GRCh37 (hg19) VCF-style: chr9-137727019-C-A.
Other names: c.5339C>A, p.Pro1780His (NM_001278074.1); short protein forms P1780H.
Identifiers: ClinVar variation 449274 (VCV000449274.20), dbSNP rs746104317, ClinGen allele CA5320691.
Genomic context (GRCh38, chr9:134,835,173, plus strand): 5'-ACGACAAGGCCCTCCGCTTCCTGGGCTCCAACGACGAGGAGATGTCCTATGACAACAACC[C>A]CTACATCCGCGCCCTGGTGGACGGCTGTGCTGTGAGTATCCCGCGCCGCGCCCAGCACCC-3'
Protein context (NP_000084.3, residues 1770-1790): NDEEMSYDNN[Pro1780His]YIRALVDGCA

ClinVar aggregate classification (germline): Conflicting classifications of pathogenicity. Review status: criteria provided, conflicting classifications (1 of 4 stars). 5 submissions from 5 submitters: Uncertain significance (4); Likely benign (1). Last evaluated 2025-12-29.

Conditions:
Fibromuscular dysplasia, multifocal. Identifiers: MedGen C5543412, MONDO:0859151, OMIM 619329.
Ehlers-Danlos syndrome, classic type, 1 (EDSCL1). Also called: Ehlers-Danlos syndrome, type 1; Ehlers-Danlos Syndrome, Classic Type, COL5A1-Related; EDS I; EHLERS-DANLOS SYNDROME, GRAVIS TYPE; EHLERS-DANLOS SYNDROME, SEVERE CLASSIC TYPE. Identifiers: MedGen C0268335, MONDO:0019567, OMIM 130000.
Familial thoracic aortic aneurysm and aortic dissection (TAAD). Also called: Thoracic aortic aneurysms and dissections. Identifiers: Orphanet 91387, MedGen C4707243, MONDO:0019625.

Allele frequency attached by ClinVar (database versions not stated): TOPMed 0.00001; gnomAD 0.00002 and 0.00003.
gnomAD v4.1: 17 of 1,613,666 alleles (0.0011%); highest among the groups gnomAD compares: Non-Finnish European, 0.0014%; no homozygotes.

Submissions (5):

Labcorp Genetics (formerly Invitae), Labcorp
Classification: Likely benign for Ehlers-Danlos syndrome, classic type, 1. Last evaluated: 2025-12-29. Review status: criteria provided, single submitter. Criteria: Invitae Variant Classification Sherloc (09022015). Collection method: clinical testing. Allele origin: germline.

Ambry Genetics
Classification: Uncertain significance for Familial thoracic aortic aneurysm and aortic dissection. Last evaluated: 2025-03-18. Review status: criteria provided, single submitter. Criteria: Ambry Variant Classification Scheme 2023. Collection method: clinical testing. Allele origin: germline.
Comment: The p.P1780H variant (also known as c.5339C>A), located in coding exon 65 of the COL5A1 gene, results from a C to A substitution at nucleotide position 5339. The proline at codon 1780 is replaced by histidine, an amino acid with similar properties. This amino acid position is highly conserved in available vertebrate species. In addition, the in silico prediction for this alteration is inconclusive. Since supporting evidence is limited at this time, the clinical significance of this alteration remains unclear.

Blueprint Genetics
Classification: Uncertain significance. Last evaluated: 2023-09-14. Review status: criteria provided, single submitter. Criteria: ACMG Guidelines, 2015. Collection method: clinical testing. Allele origin: germline.

Fulgent Genetics
Classification: Uncertain significance for Ehlers-Danlos syndrome, classic type, 1; Fibromuscular dysplasia, multifocal. Last evaluated: 2021-10-29. Review status: criteria provided, single submitter. Criteria: ACMG Guidelines, 2015. Collection method: clinical testing. Allele origin: unknown.

GeneDx
Classification: Uncertain significance. Last evaluated: 2019-02-25. Review status: criteria provided, single submitter. Criteria: GeneDx Variant Classification Process June 2021. Collection method: clinical testing. Allele origin: germline. Affected: yes.
Comment: Not observed at a significant frequency in large population cohorts (Lek et al., 2016; McVean et al., 2012; Exome Variant Server); In silico analysis, which includes protein predictors and evolutionary conservation, supports a deleterious effect; Has not been previously published as pathogenic or benign to our knowledge; Not located in the triple helical region, where the majority of pathogenic missense variants occur